The following is an entry in ClinVar:

NM_000156.6(GAMT):c.418_419del (p.Ser140fs)

Gene: GAMT (guanidinoacetate N-methyltransferase; minus strand). Cytogenetic location: 19p13.3.
Variant type: Microsatellite.
Coding change: c.418_419del on transcript NM_000156.6 (MANE Select); coding-DNA positions 418 to 419, 2 bases deleted (TC; older notation c.418_419delTC).
Protein change: p.Ser140fs; shifts the reading frame from serine 140.
Molecular consequence: frameshift variant.
Genome position (GRCh38, 1-based): chr19:1,399,168-1,399,169, GA deleted on the plus strand (TC on the coding strand, the reverse complement: GAMT is on the minus strand); deleting any 2 consecutive bases within chr19:1,399,168-1,399,172 gives the same sequence; the c. name uses the placement nearest the transcript's 3' end. VCF-style (leftmost placement, unchanged base first): chr19-1399167-CGA-C. GRCh37 (hg19) VCF-style: chr19-1399166-CGA-C.
Other names: NM_000156.6(GAMT):c.418_419del; p.Ser140fs; c.418_419del, p.Ser140fs (NM_138924.3); short protein forms S140fs.
Identifiers: ClinVar variation 3583501 (VCV003583501.1).

ClinVar aggregate classification (germline): Pathogenic. Review status: reviewed by expert panel (3 of 4 stars). 2 submissions from 2 submitters: Pathogenic (1). 1 of the submissions does not count toward it. Last evaluated 2025-10-08.

Conditions:
Deficiency of guanidinoacetate methyltransferase (CCDS2). Also called: GAMT DEFICIENCY; Guanidinoacetate Methyltransferase (GAMT) Deficiency; CEREBRAL CREATINE DEFICIENCY SYNDROME 2. Identifiers: Orphanet 382, MedGen C0574080, MONDO:0012999, OMIM 612736.

Submissions (2):

ClinGen Cerebral Creatine Deficiency Syndromes Variant Curation Expert Panel, ClinGen
Classification: Pathogenic for Deficiency of guanidinoacetate methyltransferase. Last evaluated: 2025-10-08. Review status: reviewed by expert panel. Criteria: ClinGen CCDS ACMG Specifications GAMT V2.0.0. Collection method: curation. Allele origin: germline. Inheritance: Autosomal recessive inheritance.
Comment: The NM_000156.6(GAMT):c.418_419del (p.Ser140GlyfsTer50) variant in GAMT is a frameshift variant predicted to cause a premature stop codon at the end of biologically-relevant-exon 5 of a total of 6 exons. While this variant may not lead to nonsense-mediated decay, the frameshift would result in loss of about 50% of the normal sequence (the frameshift begins at amino acid 140 out of 269 total) including residues in exon 5 that are important in binding guanidinoacetate (Leu171, Thr172, Tyr222) (PMID: 12079381, 15533043) (PVS1_Strong). This individual has been reported to be compound heterozygous for the variant and c.212T>G (p.Met71Arg) (Journal of Clinical Pediatrics, 2024 Vol.42 No.12 1039-1046 (article in Chinese), link to article). The allelic data from this patient will be used in the classification of p.Met71Arg and is not included here to avoid circular logic. The variant is absent in gnomAD v4.1.0. (PM2_Supporting). There is a ClinVar entry for this variant (Variation ID: 3583501). In summary, this variant meets the criteria to be classified as pathogenic for GAMT deficiency. GAMT-specific ACMG-AMP criteria applied, as specified by the ClinGen Cerebral Creatine Deficiency Syndromes Variant Curation Expert Panel (Specifications Version 2.0.0): PVS1_Strong, PP4_Strong, PM2_Supporting. (Classification approved by the ClinGen Cerebral Creatine Deficiency Syndromes Variant Curation Expert Panel on October 8, 2025)

Fulgent Genetics
Classification: Likely pathogenic for Deficiency of guanidinoacetate methyltransferase. Last evaluated: 2024-01-04. Review status: criteria provided, single submitter. Criteria: ACMG Guidelines, 2015. Collection method: clinical testing. Allele origin: germline. Not counted in ClinVar's aggregate classification.